The following is an entry in ClinVar:

NM_001165963.4(SCN1A):c.530G>T (p.Gly177Val)

Gene: SCN1A (sodium voltage-gated channel alpha subunit 1; minus strand). Cytogenetic location: 2q24.3.
Variant type: single nucleotide variant.
Coding change: c.530G>T on transcript NM_001165963.4 (MANE Select); coding-DNA position 530, G replaced by T.
Protein change: p.Gly177Val; replaces glycine 177 with valine.
Molecular consequence: missense variant. On other transcripts: 5 prime UTR variant (1), non-coding transcript variant (1).
Genome position (GRCh38, 1-based): chr2:166,054,710, C>A on the plus strand (G>T on the coding strand, the complement: SCN1A is on the minus strand). VCF-style: chr2-166054710-C-A. GRCh37 (hg19) VCF-style: chr2-166911220-C-A.
Other names: c.530G>T, p.Gly177Val (NM_001165964.3, NM_001202435.3, NM_001353948.2 and 10 more transcripts); c.-1896G>T (NM_001353961.2); short protein forms G177V.
Identifiers: ClinVar variation 189904 (VCV000189904.1), dbSNP rs121918770, ClinGen allele CA303263.
Genomic context (GRCh38, chr2:166,054,710, plus strand): 5'-ACAGTGAAATCGAGCCAGTTCCATGGATCCCGAAGGAAAGTAAAATCTTCTAAACAGAAT[C>A]CCCTTGCAATAATTTTTATAAGTGATTCAAAAGTATATATTCCTGTGAAGGTGTATCTGA-3'
Protein context (NP_001159435.1, residues 167-187): FESLIKIIAR[Gly177Val]FCLEDFTFLR

ClinVar aggregate classification (germline): Pathogenic (1 of 4 stars; one submission).

Conditions:
Severe myoclonic epilepsy in infancy (DRVT). Also called: Epileptic encephalopathy, early infantile, 6 (Dravet syndrome); SEVERE MYOCLONIC EPILEPSY OF INFANCY; DEVELOPMENTAL AND EPILEPTIC ENCEPHALOPATHY 6A; Severe Myoclonic Epilepsy in Infancy (SMEI); Dravet syndrome. Identifiers: Orphanet 33069, MedGen C0751122, MONDO:0100135, OMIM 607208.

Submission:

Center for Bioinformatics, Peking University
Classification: Pathogenic for Dravet syndrome. Last evaluated: 2014-12-20. Review status: criteria provided, single submitter. Criteria: Xu et al. (Hum Mutat. 2015). Collection method: research. Allele origin: de novo. Affected: yes. Observed: 1 variant allele. Study: University Clinical Cooperation “985 Project” PKU-2014-1-1.
Comment: Dravet syndrome (DS) probands were recruited from the outpatient and inpatient child neurology units of Peking University First Hospital from 2005 till present. The study was approved by the Ethics Committee of Peking University First Hospital and the Institutional Review Board at Peking University. Participants or their parents provided written informed consent before enrollment. We collected a total of 267 mutations from 255 families with probands diagnosed with DS in China. All probands fulfilled the clinical diagnostic criteria.